The following is an entry in ClinVar:

ClinVar aggregate classification (germline): Benign (1 of 4 stars; one submission).

Allele frequency attached by ClinVar (database versions not stated): gnomAD 0.26845 and 0.27168; TOPMed 0.27071; 1000 Genomes Project 30x 0.30044; 1000 Genomes Project 0.30651.
gnomAD v4.1: 41,315 of 152,006 alleles (27%); highest among the groups gnomAD compares: East Asian, 43%; 5,721 homozygotes.

Submission:

GeneDx
Classification: Benign. Last evaluated: 2018-06-16. Review status: criteria provided, single submitter. Criteria: GeneDx Variant Classification (06012015). Collection method: clinical testing. Allele origin: germline. Affected: yes.
Comment: This variant is considered likely benign or benign based on one or more of the following criteria: it is a conservative change, it occurs at a poorly conserved position in the protein, it is predicted to be benign by multiple in silico algorithms, and/or has population frequency not consistent with disease.

NM_020549.5(CHAT):c.1634+177C>G

Gene: CHAT (choline O-acetyltransferase; plus strand). Cytogenetic location: 10q11.23.
Variant type: single nucleotide variant.
Coding change: c.1634+177C>G on transcript NM_020549.5 (MANE Select); 177 bases into the intron after coding-DNA position 1634, C replaced by G.
Molecular consequence: intron variant.
Genome position (GRCh38, 1-based): chr10:49,652,183, C>G. VCF-style: chr10-49652183-C-G. GRCh37 (hg19) VCF-style: chr10-50860229-C-G.
Other names: c.1280+177C>G (NM_020984.4, NM_020985.4, NM_020986.4 and 2 more transcripts); c.1388+177C>G (NM_001142933.2).
Identifiers: ClinVar variation 681297 (VCV000681297.1), dbSNP rs10857521, ClinGen allele CA13154238.